The following is an entry in ClinVar:

NM_001184900.3(CARD8):c.343A>G (p.Ile115Val)

Gene: CARD8 (caspase recruitment domain family member 8; minus strand). Cytogenetic location: 19q13.33.
Variant type: single nucleotide variant.
Coding change: c.343A>G on transcript NM_001184900.3 (MANE Select); coding-DNA position 343, A replaced by G.
Protein change: p.Ile115Val; replaces isoleucine 115 with valine.
Molecular consequence: missense variant. On other transcripts: synonymous variant (6), 5 prime UTR variant (1), non-coding transcript variant (4).
Genome position (GRCh38, 1-based): chr19:48,234,410, T>C on the plus strand (A>G on the coding strand, the complement: CARD8 is on the minus strand). VCF-style: chr19-48234410-T-C. GRCh37 (hg19) VCF-style: chr19-48737667-T-C.
Other names: c.193A>G, p.Ile65Val (NM_001184901.1, NM_001351783.2, NM_001351788.2 and 2 more transcripts); c.343A>G, p.Ile115Val (NM_001184902.2, NM_001184903.1, NM_001351782.2); c.69A>G, p.Thr23= (NM_001351784.2, NM_001351787.2, NM_001351791.2 and 2 more transcripts); c.-146A>G (NM_001351786.2); c.141A>G, p.Thr47= (NM_001351790.2); short protein forms I115V, I65V.
Identifiers: ClinVar variation 4808908 (VCV004808908.1).

ClinVar aggregate classification (germline): Uncertain significance (1 of 4 stars; one submission).

gnomAD v4.1: 8 of 1,609,188 alleles (0.0005%); highest among the groups gnomAD compares: African/African-American, 0.0013%; no homozygotes.

Submission:

Labcorp Genetics (formerly Invitae), Labcorp
Classification: Uncertain significance. Last evaluated: 2025-09-14. Review status: criteria provided, single submitter. Criteria: Invitae Variant Classification Sherloc (09022015). Collection method: clinical testing. Allele origin: germline.
Comment: This sequence change replaces isoleucine, which is neutral and non-polar, with valine, which is neutral and non-polar, at codon 65 of the CARD8 protein (p.Ile65Val). This variant is not present in population databases (gnomAD no frequency). This variant has not been reported in the literature in individuals affected with CARD8-related conditions. An algorithm developed to predict the effect of missense changes on protein structure and function outputs the following: PolyPhen-2: "Benign". The valine amino acid residue is found in multiple mammalian species, which suggests that this missense change does not adversely affect protein function. In summary, the available evidence is currently insufficient to determine the role of this variant in disease. Therefore, it has been classified as a Variant of Uncertain Significance.